The following is an entry in ClinVar:

NM_001199138.2(NLRC4):c.1128C>G (p.His376Gln)

Gene: NLRC4 (NLR family CARD domain containing 4; minus strand). Cytogenetic location: 2p22.3.
Variant type: single nucleotide variant.
Coding change: c.1128C>G on transcript NM_001199138.2 (MANE Select); coding-DNA position 1128, C replaced by G.
Protein change: p.His376Gln; replaces histidine 376 with glutamine.
Molecular consequence: missense variant. On other transcripts: intron variant (1).
Genome position (GRCh38, 1-based): chr2:32,250,736, G>C on the plus strand (C>G on the coding strand, the complement: NLRC4 is on the minus strand). VCF-style: chr2-32250736-G-C. GRCh37 (hg19) VCF-style: chr2-32475805-G-C.
Other names: c.1128C>G, p.His376Gln (NM_001199139.2, NM_021209.5); c.262+1683C>G (NM_001302504.1); short protein forms H376Q.
Identifiers: ClinVar variation 2929430 (VCV002929430.3), dbSNP rs1281567009, ClinGen allele CA346513426.
Genomic context (GRCh38, chr2:32,250,736, plus strand): 5'-TAGGTCTCCACAGTGGTCCAGGCTCCGAATGAAGTCACTTGCAGCCACACCTTTATGTTT[G>C]TGTTTGTTTTTCTGTATCAACAGATCATAGAAGGTATGGAACAGCGTTGTTTGTGTGTGA-3'
Protein context (NP_001186067.1, residues 366-386): FYDLLIQKNK[His376Gln]KHKGVAASDF

ClinVar aggregate classification (germline): Uncertain significance (1 of 4 stars; one submission).

Conditions:
Periodic fever-infantile enterocolitis-autoinflammatory syndrome. Also called: Autoinflammation with infantile enterocolitis. Identifiers: Orphanet 436166, MedGen C4015067, MONDO:0014472, OMIM 616050.
Familial cold autoinflammatory syndrome 4 (FCAS4). Identifiers: Orphanet 47045, Orphanet 576349, MedGen C4015276, MONDO:0014498, OMIM 616115.

Allele frequency attached by ClinVar (database versions not stated): gnomAD exomes 0.00001; gnomAD 0.00002; TOPMed 0.00002.
gnomAD v4.1: 17 of 1,614,066 alleles (0.0011%); highest among the groups gnomAD compares: Non-Finnish European, 0.0013%; no homozygotes.

Submission:

Labcorp Genetics (formerly Invitae), Labcorp
Classification: Uncertain significance for Periodic fever-infantile enterocolitis-autoinflammatory syndrome; Familial cold autoinflammatory syndrome 4. Last evaluated: 2024-06-26. Review status: criteria provided, single submitter. Criteria: Invitae Variant Classification Sherloc (09022015). Collection method: clinical testing. Allele origin: germline.
Comment: This sequence change replaces histidine, which is basic and polar, with glutamine, which is neutral and polar, at codon 376 of the NLRC4 protein (p.His376Gln). This variant is present in population databases (no rsID available, gnomAD 0.002%). This variant has not been reported in the literature in individuals affected with NLRC4-related conditions. Advanced modeling of protein sequence and biophysical properties (such as structural, functional, and spatial information, amino acid conservation, physicochemical variation, residue mobility, and thermodynamic stability) performed at Invitae indicates that this missense variant is not expected to disrupt NLRC4 protein function with a negative predictive value of 80%. In summary, the available evidence is currently insufficient to determine the role of this variant in disease. Therefore, it has been classified as a Variant of Uncertain Significance.